The following is an entry in ClinVar:

NM_000092.5(COL4A4):c.1213G>C (p.Gly405Arg)

Gene: COL4A4 (collagen type IV alpha 4 chain; minus strand). Cytogenetic location: 2q36.3.
Variant type: single nucleotide variant.
Coding change: c.1213G>C on transcript NM_000092.5 (MANE Select); coding-DNA position 1213, G replaced by C.
Protein change: p.Gly405Arg; replaces glycine 405 with arginine.
Molecular consequence: missense variant.
Genome position (GRCh38, 1-based): chr2:227,094,281, C>G on the plus strand (G>C on the coding strand, the complement: COL4A4 is on the minus strand). VCF-style: chr2-227094281-C-G. GRCh37 (hg19) VCF-style: chr2-227958997-C-G.
Other names: short protein forms G405R.
Identifiers: ClinVar variation 4876753 (VCV004876753.1).

ClinVar aggregate classification (germline): Likely pathogenic (1 of 4 stars; one submission).

Conditions:
Hematuria. Identifiers: MedGen C0018965, HP:0000790.

Submission:

Genetics Laboratory, Great Ormond Street Hospital NHS Foundation Trust, North Thames Genomic Laboratory Hub
Classification: Likely pathogenic for Haematuria. Last evaluated: 2026-05-29. Review status: criteria provided, single submitter. Criteria: ACGS Best Practice Guidelines for Variant Classification in Rare Disease 2024 v1.2. Collection method: clinical testing. Allele origin: germline. Affected: yes.
Comment: PM2_moderate, PM1_strong